The following is an entry in ClinVar:

NM_001611.5(ACP5):c.583G>A (p.Ala195Thr)

Gene: ACP5 (acid phosphatase 5, tartrate resistant; minus strand). Cytogenetic location: 19p13.2.
Variant type: single nucleotide variant.
Coding change: c.583G>A on transcript NM_001611.5 (MANE Select); coding-DNA position 583, G replaced by A.
Protein change: p.Ala195Thr; replaces alanine 195 with threonine.
Molecular consequence: missense variant.
Genome position (GRCh38, 1-based): chr19:11,576,395, C>T on the plus strand (G>A on the coding strand, the complement: ACP5 is on the minus strand). VCF-style: chr19-11576395-C-T. GRCh37 (hg19) VCF-style: chr19-11687210-C-T.
Other names: c.583G>A, p.Ala195Thr (NM_001111034.3, NM_001111035.3, NM_001111036.3 and 1 more transcripts); short protein forms A195T.
Identifiers: ClinVar variation 2048872 (VCV002048872.4), dbSNP rs1973153357, ClinGen allele CA404146588.

ClinVar aggregate classification (germline): Uncertain significance (1 of 4 stars; one submission).

Conditions:
Spondyloenchondrodysplasia with immune dysregulation (SPENCDI). Also called: COMBINED IMMUNODEFICIENCY WITH AUTOIMMUNITY AND SPONDYLOMETAPHYSEAL DYSPLASIA; SPONDYLOENCHONDRODYSPLASIA WITH OR WITHOUT IMMUNE DYSREGULATION; ROIFMAN IMMUNOSKELETAL SYNDROME. Identifiers: Orphanet 1855, MedGen C1842763, MONDO:0011939, OMIM 607944.

Submission:

Labcorp Genetics (formerly Invitae), Labcorp
Classification: Uncertain significance for Spondyloenchondrodysplasia with immune dysregulation. Last evaluated: 2021-12-19. Review status: criteria provided, single submitter. Criteria: Invitae Variant Classification Sherloc (09022015). Collection method: clinical testing. Allele origin: germline.
Comment: This sequence change replaces alanine, which is neutral and non-polar, with threonine, which is neutral and polar, at codon 195 of the ACP5 protein (p.Ala195Thr). This variant is not present in population databases (gnomAD no frequency). This variant has not been reported in the literature in individuals affected with ACP5-related conditions. Algorithms developed to predict the effect of missense changes on protein structure and function are either unavailable or do not agree on the potential impact of this missense change (SIFT: "Not Available"; PolyPhen-2: "Possibly Damaging"; Align-GVGD: "Not Available"). In summary, the available evidence is currently insufficient to determine the role of this variant in disease. Therefore, it has been classified as a Variant of Uncertain Significance.